The following is an entry in ClinVar:

NM_052845.4(MMAB):c.44G>A (p.Arg15His)

Genes: MMAB (metabolism of cobalamin associated B; minus strand), MVK (mevalonate kinase; plus strand). Cytogenetic location: 12q24.11.
Variant type: single nucleotide variant.
Coding change: c.44G>A on transcript NM_052845.4 (MANE Select); coding-DNA position 44, G replaced by A.
Protein change: p.Arg15His; replaces arginine 15 with histidine.
Molecular consequence: missense variant. On other transcripts: non-coding transcript variant (1).
Genome position (GRCh38, 1-based): chr12:109,573,437, C>T on the plus strand (G>A on the coding strand, the complement: MMAB is on the minus strand). VCF-style: chr12-109573437-C-T. GRCh37 (hg19) VCF-style: chr12-110011242-C-T.
Other names: short protein forms R15H.
Identifiers: ClinVar variation 859242 (VCV000859242.5), dbSNP rs367711757, ClinGen allele CA6779080.

ClinVar aggregate classification (germline): Uncertain significance. Review status: criteria provided, single submitter (1 of 4 stars). 2 submissions from 2 submitters: Uncertain significance (1). 1 of the submissions does not count toward it. Last evaluated 2024-10-15.

Conditions:
Methylmalonic aciduria, cblB type (MACB). Also called: METHYLMALONIC ACIDURIA, VITAMIN B12-RESPONSIVE, DUE TO DEFECT IN SYNTHESIS OF ADENOSYLCOBALAMIN, cblB TYPE; Vitamin B12-responsive methylmalonic acidemia type cblB; Methylmalonic acidemia cblB type. Identifiers: Orphanet 28, Orphanet 79311, MedGen C1855102, MONDO:0009614, OMIM 251110.

Allele frequency attached by ClinVar (database versions not stated): gnomAD exomes 0.00005; TOPMed 0.00005; ExAC 0.00006; ESP Exome Variant Server 0.00008.
gnomAD v4.1: 60 of 1,607,008 alleles (0.0037%); highest among the groups gnomAD compares: Non-Finnish European, 0.0045%; no homozygotes.

Submissions (2):

Labcorp Genetics (formerly Invitae), Labcorp
Classification: Uncertain significance for Methylmalonic aciduria, cblB type. Last evaluated: 2024-10-15. Review status: criteria provided, single submitter. Criteria: Invitae Variant Classification Sherloc (09022015). Collection method: clinical testing. Allele origin: germline.
Comment: This sequence change replaces arginine, which is basic and polar, with histidine, which is basic and polar, at codon 15 of the MMAB protein (p.Arg15His). This variant is present in population databases (rs367711757, gnomAD 0.01%). This variant has not been reported in the literature in individuals affected with MMAB-related conditions. ClinVar contains an entry for this variant (Variation ID: 859242). Invitae Evidence Modeling of protein sequence and biophysical properties (such as structural, functional, and spatial information, amino acid conservation, physicochemical variation, residue mobility, and thermodynamic stability) indicates that this missense variant is not expected to disrupt MMAB protein function with a negative predictive value of 95%. In summary, the available evidence is currently insufficient to determine the role of this variant in disease. Therefore, it has been classified as a Variant of Uncertain Significance.

Natera, Inc.
Classification: Uncertain significance for Methylmalonic aciduria cblB type. Last evaluated: 2020-01-24. Review status: no assertion criteria provided. Collection method: clinical testing. Allele origin: germline. Not counted in ClinVar's aggregate classification.